The following is an entry in ClinVar:

NM_000370.3(TTPA):c.45del (p.Asn15fs)

Gene: TTPA (alpha tocopherol transfer protein; minus strand). Cytogenetic location: 8q12.3.
Variant type: Deletion.
Coding change: c.45del on transcript NM_000370.3 (MANE Select); coding-DNA position 45, one base deleted (C; older notation c.45delC).
Protein change: p.Asn15fs; shifts the reading frame from asparagine 15.
Molecular consequence: frameshift variant. On other transcripts: non-coding transcript variant (3).
Genome position (GRCh38, 1-based): chr8:63,085,977, G deleted on the plus strand (C on the coding strand, the reverse complement: TTPA is on the minus strand). VCF-style (leftmost placement, unchanged base first): chr8-63085976-CG-C. GRCh37 (hg19) VCF-style: chr8-63998535-CG-C.
Other names: c.45del, p.Asn15fs (NM_001413414.1, NM_001413415.1, NM_001413416.1 and 2 more transcripts); short protein forms N15fs.
Identifiers: ClinVar variation 5013200 (VCV005013200.1).

ClinVar aggregate classification (germline): Pathogenic (1 of 4 stars; one submission).

Conditions:
Familial isolated deficiency of vitamin E (AVED). Also called: ATAXIA, FRIEDREICH-LIKE, WITH SELECTIVE VITAMIN E DEFICIENCY; Ataxia with isolated vitamin E deficiency. Identifiers: Orphanet 96, MedGen C1848533, MONDO:0010188, OMIM 277460.

Submission:

Myriad Genetics, Inc.
Classification: Pathogenic for Familial isolated deficiency of vitamin E. Last evaluated: 2024-06-18. Review status: criteria provided, single submitter. Criteria: Myriad Autosomal Dominant, Autosomal Recessive and X-Linked Classification Criteria (2023). Collection method: clinical testing. Allele origin: unknown.
Comment: NM_000370.3(TTPA):c.45delC(N15Kfs*56) is expected to be pathogenic in the context of ataxia with vitamin E deficiency. This variant is predicted to lead to an abnormal or absent protein product due to the creation of a premature termination codon in TTPA, a gene where loss-of-function variants are known to be pathogenic. Please note: this variant was assessed in the context of healthy population screening.